The following is an entry in ClinVar:

NM_020338.4(ZMIZ1):c.1667-7G>A

Gene: ZMIZ1 (zinc finger MIZ-type containing 1; plus strand). Cytogenetic location: 10q22.3.
Variant type: single nucleotide variant.
Coding change: c.1667-7G>A on transcript NM_020338.4 (MANE Select); 7 bases into the intron before coding-DNA position 1667, G replaced by A.
Molecular consequence: intron variant.
Genome position (GRCh38, 1-based): chr10:79,299,043, G>A. VCF-style: chr10-79299043-G-A. GRCh37 (hg19) VCF-style: chr10-81058800-G-A.
Identifiers: ClinVar variation 2066572 (VCV002066572.29), dbSNP rs147118287, ClinGen allele CA5572772.

ClinVar aggregate classification (germline): Benign/Likely benign. Review status: criteria provided, multiple submitters, no conflicts (2 of 4 stars). 3 submissions from 3 submitters: Benign (1); Likely benign (2). Last evaluated 2026-07-01.

Allele frequency attached by ClinVar (database versions not stated): gnomAD exomes 0.00058; ExAC 0.00088; ESP Exome Variant Server 0.00123; gnomAD 0.00162; TOPMed 0.00169; 1000 Genomes Project 30x 0.00172; 1000 Genomes Project 0.00180.
gnomAD v4.1: 1,095 of 1,602,162 alleles (0.068%); highest among the groups gnomAD compares: African/African-American, 0.43%; 4 homozygotes.

Submissions (3):

CeGaT Center for Human Genetics Tuebingen
Classification: Likely benign. Last evaluated: 2026-07-01. Review status: criteria provided, single submitter. Criteria: CeGaT Center For Human Genetics Tuebingen Variant Classification Criteria Version 2. Collection method: clinical testing. Allele origin: germline. Affected: yes. Observed: 4 variant alleles.
Comment: ZMIZ1: BP4, BS1

Labcorp Genetics (formerly Invitae), Labcorp
Classification: Benign. Last evaluated: 2026-01-13. Review status: criteria provided, single submitter. Criteria: Invitae Variant Classification Sherloc (09022015). Collection method: clinical testing. Allele origin: germline.

Blueprint Genetics
Classification: Likely benign. Last evaluated: 2024-11-11. Review status: criteria provided, single submitter. Criteria: ACMG Guidelines, 2015. Collection method: clinical testing. Allele origin: germline.